The following is an entry in ClinVar:

NM_000535.7(PMS2):c.308del (p.Thr103fs)

Gene: PMS2 (PMS1 homolog 2, mismatch repair system component; minus strand). Cytogenetic location: 7p22.1.
Variant type: Deletion.
Coding change: c.308del on transcript NM_000535.7 (MANE Select); coding-DNA position 308, one base deleted (C; older notation c.308delC).
Protein change: p.Thr103fs; shifts the reading frame from threonine 103.
Molecular consequence: frameshift variant. On other transcripts: 5 prime UTR variant (25), non-coding transcript variant (1), intron variant (21).
Genome position (GRCh38, 1-based): chr7:6,003,735, G deleted on the plus strand (C on the coding strand, the reverse complement: PMS2 is on the minus strand). VCF-style (leftmost placement, unchanged base first): chr7-6003734-AG-A. GRCh37 (hg19) VCF-style: chr7-6043365-AG-A.
Other names: c.-98delC (NM_001018040.1); c.-98del (NM_001322003.2, NM_001322004.2, NM_001322005.2 and 13 more transcripts); c.308del, p.Thr103fs (NM_001322006.2, NM_001322014.2, NM_001406869.1 and 8 more transcripts); c.-577del (NM_001322011.2, NM_001322012.2); c.-177del (NM_001322015.2, NM_001406875.1, NM_001406877.1 and 3 more transcripts); c.494del, p.Thr165fs (NM_001406866.1); c.332del, p.Thr111fs (NM_001406868.1); c.-88del (NM_001406890.1); and 6 more; short protein forms T111fs, T165fs, T103fs.
Identifiers: ClinVar variation 2810009 (VCV002810009.3), dbSNP rs2536497437, ClinGen allele CA2739265462.

ClinVar aggregate classification (germline): Pathogenic (1 of 4 stars; one submission).

Conditions:
Hereditary nonpolyposis colorectal neoplasms. Identifiers: MedGen C0009405, MeSH D003123.

Submission:

Labcorp Genetics (formerly Invitae), Labcorp
Classification: Pathogenic for Hereditary nonpolyposis colorectal neoplasms. Last evaluated: 2022-11-29. Review status: criteria provided, single submitter. Criteria: Invitae Variant Classification Sherloc (09022015). Collection method: clinical testing. Allele origin: germline.
Comment: This sequence change creates a premature translational stop signal (p.Thr103Ilefs*9) in the PMS2 gene. It is expected to result in an absent or disrupted protein product. Loss-of-function variants in PMS2 are known to be pathogenic (PMID: 21376568, 24362816). This variant is not present in population databases (gnomAD no frequency). This variant has not been reported in the literature in individuals affected with PMS2-related conditions. For these reasons, this variant has been classified as Pathogenic.

Literature cited by the submitters: PubMed 21376568; PubMed 24362816.